The following is an entry in ClinVar:

ClinVar aggregate classification (germline): Uncertain significance (1 of 4 stars; one submission).

Allele frequency attached by ClinVar (database versions not stated): gnomAD 0.00001; gnomAD exomes below 0.00001.
gnomAD v4.1: 5 of 1,612,222 alleles (0.00031%); highest among the groups gnomAD compares: East Asian, 0.011%; no homozygotes.

Submission:

Labcorp Genetics (formerly Invitae), Labcorp
Classification: Uncertain significance. Last evaluated: 2024-01-02. Review status: criteria provided, single submitter. Criteria: Invitae Variant Classification Sherloc (09022015). Collection method: clinical testing. Allele origin: germline.
Comment: This sequence change replaces alanine, which is neutral and non-polar, with threonine, which is neutral and polar, at codon 334 of the KCNV2 protein (p.Ala334Thr). This variant is present in population databases (no rsID available, gnomAD 0.006%). This variant has not been reported in the literature in individuals affected with KCNV2-related conditions. ClinVar contains an entry for this variant (Variation ID: 1521497). Advanced modeling of protein sequence and biophysical properties (such as structural, functional, and spatial information, amino acid conservation, physicochemical variation, residue mobility, and thermodynamic stability) performed at Invitae indicates that this missense variant is not expected to disrupt KCNV2 protein function with a negative predictive value of 80%. In summary, the available evidence is currently insufficient to determine the role of this variant in disease. Therefore, it has been classified as a Variant of Uncertain Significance.

NM_133497.4(KCNV2):c.1000G>A (p.Ala334Thr)

Gene: KCNV2 (potassium voltage-gated channel modifier subfamily V member 2; plus strand). Cytogenetic location: 9p24.2.
Variant type: single nucleotide variant.
Coding change: c.1000G>A on transcript NM_133497.4 (MANE Select); coding-DNA position 1000, G replaced by A.
Protein change: p.Ala334Thr; replaces alanine 334 with threonine.
Molecular consequence: missense variant.
Genome position (GRCh38, 1-based): chr9:2,718,739, G>A. VCF-style: chr9-2718739-G-A. GRCh37 (hg19) VCF-style: chr9-2718739-G-A.
Other names: short protein forms A334T.
Identifiers: ClinVar variation 1521497 (VCV001521497.8), dbSNP rs1329374024, ClinGen allele CA372801279.